The following is an entry in ClinVar:

NM_001868.4(CPA1):c.175C>A (p.Pro59Thr)

Gene: CPA1 (carboxypeptidase A1; plus strand). Cytogenetic location: 7q32.2.
Variant type: single nucleotide variant.
Coding change: c.175C>A on transcript NM_001868.4 (MANE Select); coding-DNA position 175, C replaced by A.
Protein change: p.Pro59Thr; replaces proline 59 with threonine.
Molecular consequence: missense variant.
Genome position (GRCh38, 1-based): chr7:130,381,657, C>A. VCF-style: chr7-130381657-C-A. GRCh37 (hg19) VCF-style: chr7-130021498-C-A.
Other names: short protein forms P59T.
Identifiers: ClinVar variation 3496196 (VCV003496196.1).
Genomic context (GRCh38, chr7:130,381,657, plus strand): 5'-CGCTGTGACCGTGCCGGCTCTTGTCCTCCCCAGCTGGACTTCTGGCGGGGGCCTGCCCAC[C>A]CTGGCTCCCCCATCGACGTCCGAGTGCCCTTCCCCAGCATCCAGGCGGTCAAGATCTTTC-3'
Protein context (NP_001859.1, residues 49-69): QLDFWRGPAH[Pro59Thr]GSPIDVRVPF

ClinVar aggregate classification (germline): Uncertain significance (1 of 4 stars; one submission).

Conditions:
Hereditary pancreatitis (PCTT). Also called: Hereditary chronic pancreatitis; PRSS1-Related Hereditary Pancreatitis. Identifiers: Orphanet 676, MedGen C0238339, MONDO:0008185, OMIM 167800.

Submission:

Ambry Genetics
Classification: Uncertain significance for Hereditary pancreatitis. Last evaluated: 2024-08-22. Review status: criteria provided, single submitter. Criteria: Ambry Variant Classification Scheme 2023. Collection method: clinical testing. Allele origin: germline.
Comment: The p.P59T variant (also known as c.175C>A), located in coding exon 3 of the CPA1 gene, results from a C to A substitution at nucleotide position 175. The proline at codon 59 is replaced by threonine, an amino acid with highly similar properties. This amino acid position is conserved. In addition, this alteration is predicted to be tolerated by in silico analysis. Based on the available evidence, the clinical significance of this variant remains unclear.